The following is an entry in ClinVar:

ClinVar aggregate classification (germline): Likely pathogenic. Review status: criteria provided, multiple submitters, no conflicts (2 of 4 stars). 2 submissions from 2 submitters: Likely pathogenic (2). Last evaluated 2023-09-18.

Conditions:
Hereditary cancer-predisposing syndrome. Also called: Hereditary Cancer Syndrome; Neoplastic Syndromes, Hereditary; Tumor predisposition; Hereditary neoplastic syndrome. Identifiers: Orphanet 140162, MedGen C0027672, MeSH D009386, MONDO:0015356.
Ataxia-telangiectasia syndrome (AT). Also called: Cerebello-oculocutaneous telangiectasia; Immunodeficiency with ataxia telangiectasia; Ataxia-telangiectasia, complementation group E; Ataxia-telangiectasia, complementation group D; AT, COMPLEMENTATION GROUP C; ATAXIA-TELANGIECTASIA, COMPLEMENTATION GROUP A. Identifiers: Orphanet 100, MedGen C0004135, MONDO:0008840, OMIM 208900.

Allele frequency attached by ClinVar (database versions not stated): gnomAD exomes below 0.00001.
gnomAD v4.1: 1 of 1,611,550 alleles (0.000062%); highest among the groups gnomAD compares: Non-Finnish European, 0.000085%; no homozygotes.

Submissions (2):

Ambry Genetics
Classification: Likely pathogenic for Hereditary cancer-predisposing syndrome. Last evaluated: 2023-09-18. Review status: criteria provided, single submitter. Criteria: Ambry Variant Classification Scheme 2023. Collection method: clinical testing. Allele origin: germline.
Comment: The c.7927+1G>C intronic variant results from a G to C substitution one nucleotide after coding exon 52 of the ATM gene. This variant is considered to be rare based on population cohorts in the Genome Aggregation Database (gnomAD). This nucleotide position is highly conserved in available vertebrate species. In silico splice site analysis predicts that this alteration will weaken the native splice donor site. Alterations that disrupt the canonical splice site are expected to cause aberrant splicing, resulting in an abnormal protein or a transcript that is subject to nonsense-mediated mRNA decay. As such, this alteration is classified as likely pathogenic.

Labcorp Genetics (formerly Invitae), Labcorp
Classification: Likely pathogenic for Ataxia-telangiectasia syndrome. Last evaluated: 2023-06-04. Review status: criteria provided, single submitter. Criteria: Invitae Variant Classification Sherloc (09022015). Collection method: clinical testing. Allele origin: germline.
Comment: This sequence change affects a donor splice site in intron 53 of the ATM gene. It is expected to disrupt RNA splicing. Variants that disrupt the donor or acceptor splice site typically lead to a loss of protein function (PMID: 16199547), and loss-of-function variants in ATM are known to be pathogenic (PMID: 23807571, 25614872). This variant is not present in population databases (gnomAD no frequency). This variant has not been reported in the literature in individuals affected with ATM-related conditions. ClinVar contains an entry for this variant (Variation ID: 524271). Algorithms developed to predict the effect of sequence changes on RNA splicing suggest that this variant may disrupt the consensus splice site. In summary, the currently available evidence indicates that the variant is pathogenic, but additional data are needed to prove that conclusively. Therefore, this variant has been classified as Likely Pathogenic.

Literature cited by the submitters: PubMed 16199547 (cited by Labcorp Genetics (formerly Invitae), Labcorp); PubMed 23807571 (cited by Labcorp Genetics (formerly Invitae), Labcorp); PubMed 25614872 (cited by Labcorp Genetics (formerly Invitae), Labcorp).

NM_000051.4(ATM):c.7927+1G>C

Genes: ATM (ATM serine/threonine kinase; plus strand), C11orf65 (chromosome 11 open reading frame 65; minus strand). Cytogenetic location: 11q22.3.
Variant type: single nucleotide variant.
Coding change: c.7927+1G>C on transcript NM_000051.4 (MANE Select); the canonical splice donor site of the intron after coding-DNA position 7927, G replaced by C.
Molecular consequence: splice donor variant. On other transcripts: intron variant (2).
Genome position (GRCh38, 1-based): chr11:108,332,901, G>C. VCF-style: chr11-108332901-G-C. GRCh37 (hg19) VCF-style: chr11-108203628-G-C.
Other names: c.7927+1G>C (NM_001351834.2); c.641-23830C>G (NM_001330368.2); c.*38+2319C>G (NM_001351110.2).
Identifiers: ClinVar variation 524271 (VCV000524271.10), dbSNP rs1555125532, ClinGen allele CA382561532.